The following is an entry in ClinVar:

NM_003200.5(TCF3):c.299-86_299-6delinsAA

Gene: TCF3 (transcription factor 3; minus strand). Cytogenetic location: 19p13.3.
Variant type: Indel.
Coding change: c.299-86_299-6delinsAA on transcript NM_003200.5 (MANE Select); 86 bases into the intron before coding-DNA position 299 through 6 bases into the intron before coding-DNA position 299, the reference bases replaced by AA.
Molecular consequence: intron variant.
Genome position (GRCh38, 1-based): chr19:1,627,432-1,627,512, 81 bases replaced. GRCh37 (hg19): chr19:1,627,431-1,627,511.
Other names: c.299-86_299-6delinsAA (NM_001351778.2, NM_001136139.4, NM_001351779.2).
Identifiers: ClinVar variation 4725965 (VCV004725965.1).

ClinVar aggregate classification (germline): Uncertain significance (1 of 4 stars; one submission).

Submission:

Labcorp Genetics (formerly Invitae), Labcorp
Classification: Uncertain significance. Last evaluated: 2025-08-24. Review status: criteria provided, single submitter. Criteria: Invitae Variant Classification Sherloc (09022015). Collection method: clinical testing. Allele origin: germline.
Comment: This sequence change falls in intron 5 of the TCF3 gene. It does not directly change the encoded amino acid sequence of the TCF3 protein. This variant is not present in population databases (gnomAD no frequency). This variant has not been reported in the literature in individuals affected with TCF3-related conditions. Experimental studies and prediction algorithms are not available or were not evaluated, and the effect of this variant on mRNA splicing is currently unknown. In summary, the available evidence is currently insufficient to determine the role of this variant in disease. Therefore, it has been classified as a Variant of Uncertain Significance.